The following is an entry in ClinVar:

ClinVar aggregate classification (germline): Conflicting classifications of pathogenicity. Review status: criteria provided, conflicting classifications (1 of 4 stars). 4 submissions from 4 submitters: Uncertain significance (3); Likely benign (1). Last evaluated 2026-03-17.

Conditions:
Left ventricular noncompaction 8 (LVNC8). Identifiers: Orphanet 154, Orphanet 54260, MedGen C3809288, MONDO:0014152, OMIM 615373.

Allele frequency attached by ClinVar (database versions not stated): gnomAD 0.00001; TOPMed 0.00001; gnomAD exomes 0.00002 and 0.00007; ExAC 0.00004.
gnomAD v4.1: 35 of 1,562,046 alleles (0.0022%); highest among the groups gnomAD compares: Admixed American, 0.019%; no homozygotes.

Submissions (4):

Women's Health and Genetics/Laboratory Corporation of America, LabCorp
Classification: Likely benign. Last evaluated: 2026-03-17. Review status: criteria provided, single submitter. Criteria: LabCorp Variant Classification Summary - May 2015. Collection method: clinical testing. Allele origin: germline.

GeneDx
Classification: Uncertain significance. Last evaluated: 2025-06-03. Review status: criteria provided, single submitter. Criteria: GeneDx Variant Classification Process June 2021. Collection method: clinical testing. Allele origin: germline. Affected: yes.
Comment: In silico analysis suggests that this missense variant does not alter protein structure/function; Has not been previously published as pathogenic or benign to our knowledge

Labcorp Genetics (formerly Invitae), Labcorp
Classification: Uncertain significance for Left ventricular noncompaction 8. Last evaluated: 2025-03-20. Review status: criteria provided, single submitter. Criteria: Invitae Variant Classification Sherloc (09022015). Collection method: clinical testing. Allele origin: germline.
Comment: This sequence change replaces alanine, which is neutral and non-polar, with threonine, which is neutral and polar, at codon 1152 of the PRDM16 protein (p.Ala1152Thr). This variant is present in population databases (rs776229208, gnomAD 0.03%). This variant has not been reported in the literature in individuals affected with PRDM16-related conditions. ClinVar contains an entry for this variant (Variation ID: 406235). An algorithm developed to predict the effect of missense changes on protein structure and function outputs the following: PolyPhen-2: "Benign". The threonine amino acid residue is found in multiple mammalian species, which suggests that this missense change does not adversely affect protein function. In summary, the available evidence is currently insufficient to determine the role of this variant in disease. Therefore, it has been classified as a Variant of Uncertain Significance.

Breakthrough Genomics
Classification: Uncertain significance. Review status: criteria provided, single submitter. Criteria: ACMG Guidelines, 2015. Collection method: not provided. Allele origin: germline. Inheritance: Autosomal dominant inheritance. Affected: yes.

NM_022114.4(PRDM16):c.3454G>A (p.Ala1152Thr)

Gene: PRDM16 (PR/SET domain 16; plus strand). Cytogenetic location: 1p36.32.
Variant type: single nucleotide variant.
Coding change: c.3454G>A on transcript NM_022114.4 (MANE Select); coding-DNA position 3454, G replaced by A.
Protein change: p.Ala1152Thr; replaces alanine 1152 with threonine.
Molecular consequence: missense variant.
Genome position (GRCh38, 1-based): chr1:3,431,041, G>A. VCF-style: chr1-3431041-G-A. GRCh37 (hg19) VCF-style: chr1-3347605-G-A.
Other names: c.3454G>A, p.Ala1152Thr (NM_199454.3); short protein forms A1152T.
Identifiers: ClinVar variation 406235 (VCV000406235.14), dbSNP rs776229208, ClinGen allele CA544874.